The following is an entry in ClinVar:

NM_001999.4(FBN2):c.2075T>A (p.Met692Lys)

Gene: FBN2 (fibrillin 2; minus strand). Cytogenetic location: 5q23.3.
Variant type: single nucleotide variant.
Coding change: c.2075T>A on transcript NM_001999.4 (MANE Select); coding-DNA position 2075, T replaced by A.
Protein change: p.Met692Lys; replaces methionine 692 with lysine.
Molecular consequence: missense variant.
Genome position (GRCh38, 1-based): chr5:128,374,648, A>T on the plus strand (T>A on the coding strand, the complement: FBN2 is on the minus strand). VCF-style: chr5-128374648-A-T. GRCh37 (hg19) VCF-style: chr5-127710341-A-T.
Other names: short protein forms M692K.
Identifiers: ClinVar variation 3636691 (VCV003636691.2).

ClinVar aggregate classification (germline): Uncertain significance (1 of 4 stars; one submission).

Conditions:
Congenital contractural arachnodactyly (CCA). Also called: BEALS SYNDROME; Arthrogryposis, distal, type 9; Beals-Hecht syndrome. Identifiers: Orphanet 115, MedGen C0220668, MONDO:0007363, OMIM 121050.

Submission:

Labcorp Genetics (formerly Invitae), Labcorp
Classification: Uncertain significance for Congenital contractural arachnodactyly. Last evaluated: 2024-03-20. Review status: criteria provided, single submitter. Criteria: Invitae Variant Classification Sherloc (09022015). Collection method: clinical testing. Allele origin: germline.
Comment: This sequence change replaces methionine, which is neutral and non-polar, with lysine, which is basic and polar, at codon 692 of the FBN2 protein (p.Met692Lys). This variant is present in population databases (rs146586596, gnomAD 0.0009%). This variant has not been reported in the literature in individuals affected with FBN2-related conditions. Advanced modeling of protein sequence and biophysical properties (such as structural, functional, and spatial information, amino acid conservation, physicochemical variation, residue mobility, and thermodynamic stability) performed at Invitae indicates that this missense variant is not expected to disrupt FBN2 protein function with a negative predictive value of 80%. In summary, the available evidence is currently insufficient to determine the role of this variant in disease. Therefore, it has been classified as a Variant of Uncertain Significance.